The following is an entry in ClinVar:

ClinVar aggregate classification (germline): Pathogenic (1 of 4 stars; one submission).

Conditions:
Autosomal recessive nonsyndromic hearing loss 23. Identifiers: Orphanet 90636, MedGen C1836027, MONDO:0012293, OMIM 609533.

Submission:

Institute of Rare Diseases, West China Hospital, Sichuan University
Classification: Pathogenic for Autosomal recessive nonsyndromic hearing loss 23. Last evaluated: 2025-01-09. Review status: criteria provided, single submitter. Criteria: ClinGen HL ACMG Specifications v1. Collection method: research. Allele origin: germline. Affected: yes.
Comment: PVS1;PM3;PM2_Supporting

NM_001384140.1(PCDH15):c.4671+1164_4671+1167dup

Gene: PCDH15 (protocadherin related 15; minus strand). Cytogenetic location: 10q21.1.
Variant type: Duplication.
Coding change: c.4671+1164_4671+1167dup on transcript NM_001384140.1 (MANE Select); bases 1164 to 1167 of the intron after coding-DNA position 4671, 4 bases duplicated (TTAG; older notation c.4671+1164_4671+1167dupTTAG).
Molecular consequence: intron variant. On other transcripts: frameshift variant (1), 3 prime UTR variant (1), nonsense (1).
Genome position (GRCh38, 1-based): chr10:53,809,389-53,809,392, CTAA duplicated on the plus strand (TTAG on the coding strand, the reverse complement: PCDH15 is on the minus strand); duplicating any 4 consecutive bases within chr10:53,809,389-53,809,394 gives the same sequence; the c. name uses the placement nearest the transcript's 3' end. VCF-style (leftmost placement, unchanged base first): chr10-53809388-T-TCTAA. GRCh37 (hg19) VCF-style: chr10-55569148-T-TCTAA.
Other names: c.4671_4674dup, p.Arg1559Serfs (NM_001142769.4); c.*88_*91dup (NM_001142770.3); c.4652_4655dup, p.Arg1552delinsSerTer (NM_001354411.2); c.4476+1164_4476+1167dup (NM_001354420.2); c.4605+1164_4605+1167dup (NM_001354429.2); c.4482+1164_4482+1167dup (NM_001142772.2); c.4497+1164_4497+1167dup (NM_001142771.2).
Identifiers: ClinVar variation 3601620 (VCV003601620.1).